The following is an entry in ClinVar:

NM_004963.4(GUCY2C):c.1762G>A (p.Glu588Lys)

Gene: GUCY2C (guanylate cyclase 2C; minus strand). Cytogenetic location: 12p12.3.
Variant type: single nucleotide variant.
Coding change: c.1762G>A on transcript NM_004963.4 (MANE Select); coding-DNA position 1762, G replaced by A.
Protein change: p.Glu588Lys; replaces glutamic acid 588 with lysine.
Molecular consequence: missense variant.
Genome position (GRCh38, 1-based): chr12:14,645,264, C>T on the plus strand (G>A on the coding strand, the complement: GUCY2C is on the minus strand). VCF-style: chr12-14645264-C-T. GRCh37 (hg19) VCF-style: chr12-14798198-C-T.
Other names: short protein forms E588K.
Identifiers: ClinVar variation 2116276 (VCV002116276.4), dbSNP rs2497693682, ClinGen allele CA383986850.

ClinVar aggregate classification (germline): Uncertain significance (1 of 4 stars; one submission).

Submission:

Labcorp Genetics (formerly Invitae), Labcorp
Classification: Uncertain significance. Last evaluated: 2022-03-30. Review status: criteria provided, single submitter. Criteria: Invitae Variant Classification Sherloc (09022015). Collection method: clinical testing. Allele origin: germline.
Comment: In summary, the available evidence is currently insufficient to determine the role of this variant in disease. Therefore, it has been classified as a Variant of Uncertain Significance. Algorithms developed to predict the effect of missense changes on protein structure and function are either unavailable or do not agree on the potential impact of this missense change (SIFT: "Deleterious"; PolyPhen-2: "Possibly Damaging"; Align-GVGD: "Class C0"). This variant has not been reported in the literature in individuals affected with GUCY2C-related conditions. This variant is not present in population databases (gnomAD no frequency). This sequence change replaces glutamic acid, which is acidic and polar, with lysine, which is basic and polar, at codon 588 of the GUCY2C protein (p.Glu588Lys).